The following is an entry in ClinVar:

NM_005529.7(HSPG2):c.5013G>A (p.Glu1671=)

Gene: HSPG2 (heparan sulfate proteoglycan 2; minus strand). Cytogenetic location: 1p36.12.
Variant type: single nucleotide variant.
Coding change: c.5013G>A on transcript NM_005529.7 (MANE Select); coding-DNA position 5013, G replaced by A.
Protein change: p.Glu1671=; no amino-acid change (glutamic acid 1671 retained).
Molecular consequence: synonymous variant.
Genome position (GRCh38, 1-based): chr1:21,860,178, C>T on the plus strand (G>A on the coding strand, the complement: HSPG2 is on the minus strand). VCF-style: chr1-21860178-C-T. GRCh37 (hg19) VCF-style: chr1-22186671-C-T.
Other names: c.5016G>A, p.Glu1672= (NM_001291860.2).
Identifiers: ClinVar variation 1382278 (VCV001382278.6), dbSNP rs1186370534, ClinGen allele CA416559018.

ClinVar aggregate classification (germline): Uncertain significance (1 of 4 stars; one submission).

Allele frequency attached by ClinVar (database versions not stated): TOPMed 0.00002; gnomAD 0.00003.
gnomAD v4.1: 20 of 1,613,762 alleles (0.0012%); highest among the groups gnomAD compares: East Asian, 0.0022%; no homozygotes.

Submission:

Labcorp Genetics (formerly Invitae), Labcorp
Classification: Uncertain significance. Last evaluated: 2023-12-22. Review status: criteria provided, single submitter. Criteria: Invitae Variant Classification Sherloc (09022015). Collection method: clinical testing. Allele origin: germline.
Comment: This sequence change affects codon 1671 of the HSPG2 mRNA. It is a 'silent' change, meaning that it does not change the encoded amino acid sequence of the HSPG2 protein. It affects a nucleotide within the consensus splice site. This variant is present in population databases (no rsID available, gnomAD 0.004%). This variant has not been reported in the literature in individuals affected with HSPG2-related conditions. ClinVar contains an entry for this variant (Variation ID: 1382278). Algorithms developed to predict the effect of sequence changes on RNA splicing suggest that this variant is not likely to affect RNA splicing. In summary, the available evidence is currently insufficient to determine the role of this variant in disease. Therefore, it has been classified as a Variant of Uncertain Significance.